The following is an entry in ClinVar:

ClinVar aggregate classification (germline): Benign/Likely benign. Review status: criteria provided, multiple submitters, no conflicts (2 of 4 stars). 12 submissions from 12 submitters: Benign (8); Likely benign (1). 3 of the submissions do not count toward it. Last evaluated 2026-02-04.

Conditions:
3-methylcrotonyl-CoA carboxylase 1 deficiency (MCC1D). Also called: MCCD TYPE 1; METHYLCROTONYLGLYCINURIA TYPE I; MCC 1 deficiency; 3 Alpha methylcrotonylglycinuria 1. Identifiers: Orphanet 6, MedGen CN028786, MONDO:0008861, OMIM 210200.

Allele frequency attached by ClinVar (database versions not stated): ESP Exome Variant Server 0.88534; gnomAD 0.89165 and 0.89597; TOPMed 0.89359; 1000 Genomes Project 30x 0.91115; 1000 Genomes Project 0.91554; ExAC 0.92974; gnomAD exomes 0.93072 and 0.93211.
gnomAD v4.1: 1,496,127 of 1,613,714 alleles (93%); highest among the groups gnomAD compares: East Asian, 100%; 694,792 homozygotes.

Submissions (12):

Labcorp Genetics (formerly Invitae), Labcorp
Classification: Benign for 3-methylcrotonyl-CoA carboxylase 1 deficiency. Last evaluated: 2026-02-04. Review status: criteria provided, single submitter. Criteria: Invitae Variant Classification Sherloc (09022015). Collection method: clinical testing. Allele origin: germline.

Blueprint Genetics
Classification: Likely benign. Last evaluated: 2024-11-26. Review status: criteria provided, single submitter. Criteria: ACMG Guidelines, 2015. Collection method: clinical testing. Allele origin: germline.

Genome-Nilou Lab
Classification: Benign for 3-methylcrotonyl-CoA carboxylase 1 deficiency. Last evaluated: 2021-09-05. Review status: criteria provided, single submitter. Criteria: ACMG Guidelines, 2015. Collection method: clinical testing. Allele origin: germline. Affected: no.

Pars Genome Lab
Classification: Benign for 3-methylcrotonyl-CoA carboxylase 1 deficiency. Last evaluated: 2021-06-15. Review status: criteria provided, single submitter. Criteria: ACMG Guidelines, 2015. Collection method: clinical testing. Allele origin: germline. Affected: no.

Illumina Laboratory Services, Illumina
Classification: Benign for 3-methylcrotonyl-CoA carboxylase 1 deficiency. Last evaluated: 2018-01-12. Review status: criteria provided, single submitter. Criteria: ICSL Variant Classification Criteria 13 December 2019. Collection method: clinical testing. Allele origin: germline.
Comment: This variant was observed in the ICSL laboratory as part of a predisposition screen in an ostensibly healthy population. It had not been previously curated by ICSL or reported in the Human Gene Mutation Database (HGMD: prior to June 1st, 2018), and was therefore a candidate for classification through an automated scoring system. Utilizing variant allele frequency, disease prevalence and penetrance estimates, and inheritance mode, an automated score was calculated to assess if this variant is too frequent to cause the disease. Based on the score and internal cut-off values, a variant classified as benign is not then subjected to further curation. The score for this variant resulted in a classification of benign for this disease.

GeneDx
Classification: Benign. Last evaluated: 2015-03-03. Review status: criteria provided, single submitter. Criteria: GeneDx Variant Classification Process June 2021. Collection method: clinical testing. Allele origin: germline. Affected: yes.

Eurofins Ntd Llc (ga)
Classification: Benign. Last evaluated: 2014-11-10. Review status: criteria provided, single submitter. Criteria: EGL Classification Definitions 2015. Collection method: clinical testing. Allele origin: germline. Observed: 71 variant alleles, 20 heterozygotes, 51 homozygotes.

Breakthrough Genomics
Classification: Benign. Review status: criteria provided, single submitter. Criteria: ACMG Guidelines, 2015. Collection method: not provided. Allele origin: germline. Inheritance: Autosomal recessive inheritance. Affected: yes.

PreventionGenetics, part of Exact Sciences
Classification: Benign. Review status: criteria provided, single submitter. Criteria: ACMG Guidelines, 2015. Collection method: clinical testing. Allele origin: germline.

Natera, Inc.
Classification: Benign for 3-methylcrotonyl-CoA carboxylase 1 deficiency. Last evaluated: 2019-11-16. Review status: no assertion criteria provided. Collection method: clinical testing. Allele origin: germline. Not counted in ClinVar's aggregate classification.

Diagnostic Laboratory, Department of Genetics, University Medical Center Groningen
Classification: Benign. Review status: no assertion criteria provided. Collection method: clinical testing. Allele origin: germline. Affected: yes. Study: VKGL Data-share Consensus. Not counted in ClinVar's aggregate classification.

Joint Genome Diagnostic Labs from Nijmegen and Maastricht, Radboudumc and MUMC+
Classification: Benign. Review status: no assertion criteria provided. Collection method: clinical testing. Allele origin: germline. Affected: yes. Study: VKGL Data-share Consensus. Not counted in ClinVar's aggregate classification.

NM_020166.5(MCCC1):c.396C>T (p.Leu132=)

Gene: MCCC1 (methylcrotonyl-CoA carboxylase subunit 1; minus strand). Cytogenetic location: 3q27.1.
Variant type: single nucleotide variant.
Coding change: c.396C>T on transcript NM_020166.5 (MANE Select); coding-DNA position 396, C replaced by T.
Protein change: p.Leu132=; no amino-acid change (leucine 132 retained).
Molecular consequence: synonymous variant. On other transcripts: non-coding transcript variant (2), intron variant (1).
Genome position (GRCh38, 1-based): chr3:183,072,461, G>A on the plus strand (C>T on the coding strand, the complement: MCCC1 is on the minus strand). VCF-style: chr3-183072461-G-A. GRCh37 (hg19) VCF-style: chr3-182790249-G-A.
Other names: c.69C>T, p.Leu23= (NM_001363880.1); c.141-1104C>T (NM_001293273.2).
Identifiers: ClinVar variation 95943 (VCV000095943.32), dbSNP rs7622479, ClinGen allele CA149063.